The following is an entry in ClinVar:

NM_007272.3(CTRC):c.355C>T (p.Arg119Cys)

Gene: CTRC (chymotrypsin C; plus strand). Cytogenetic location: 1p36.21.
Variant type: single nucleotide variant.
Coding change: c.355C>T on transcript NM_007272.3 (MANE Select); coding-DNA position 355, C replaced by T.
Protein change: p.Arg119Cys; replaces arginine 119 with cysteine.
Molecular consequence: missense variant.
Genome position (GRCh38, 1-based): chr1:15,442,571, C>T. VCF-style: chr1-15442571-C-T. GRCh37 (hg19) VCF-style: chr1-15769067-C-T.
Other names: short protein forms R119C.
Identifiers: ClinVar variation 1433132 (VCV001433132.9), dbSNP rs768853400, ClinGen allele CA613318.

ClinVar aggregate classification (germline): Uncertain significance. Review status: criteria provided, multiple submitters, no conflicts (2 of 4 stars). 2 submissions from 2 submitters: Uncertain significance (2). Last evaluated 2025-10-30.

Conditions:
Hereditary pancreatitis (PCTT). Also called: PRSS1-Related Hereditary Pancreatitis; Hereditary chronic pancreatitis. Identifiers: Orphanet 676, MedGen C0238339, MONDO:0008185, OMIM 167800.

Allele frequency attached by ClinVar (database versions not stated): gnomAD 0.00007.
gnomAD v4.1: 38 of 1,613,802 alleles (0.0024%); highest among the groups gnomAD compares: African/African-American, 0.0093%; no homozygotes.

Submissions (2):

Ambry Genetics
Classification: Uncertain significance for Hereditary pancreatitis. Last evaluated: 2025-10-30. Review status: criteria provided, single submitter. Criteria: Ambry Variant Classification Scheme 2023. Collection method: clinical testing. Allele origin: germline.
Comment: The p.R119C variant (also known as c.355C>T), located in coding exon 4 of the CTRC gene, results from a C to T substitution at nucleotide position 355. The arginine at codon 119 is replaced by cysteine, an amino acid with highly dissimilar properties. This amino acid position is not well conserved in available vertebrate species. In addition, the in silico prediction for this alteration is inconclusive. Since supporting evidence is limited at this time, the clinical significance of this alteration remains unclear.

Labcorp Genetics (formerly Invitae), Labcorp
Classification: Uncertain significance for Hereditary pancreatitis. Last evaluated: 2025-01-07. Review status: criteria provided, single submitter. Criteria: Invitae Variant Classification Sherloc (09022015). Collection method: clinical testing. Allele origin: germline.
Comment: This sequence change replaces arginine, which is basic and polar, with cysteine, which is neutral and slightly polar, at codon 119 of the CTRC protein (p.Arg119Cys). The frequency data for this variant in the population databases is considered unreliable, as metrics indicate poor data quality at this position in the gnomAD database. This variant has not been reported in the literature in individuals affected with CTRC-related conditions. ClinVar contains an entry for this variant (Variation ID: 1433132). Invitae Evidence Modeling of protein sequence and biophysical properties (such as structural, functional, and spatial information, amino acid conservation, physicochemical variation, residue mobility, and thermodynamic stability) has been performed for this missense variant. However, the output from this modeling did not meet the statistical confidence thresholds required to predict the impact of this variant on CTRC protein function. In summary, the available evidence is currently insufficient to determine the role of this variant in disease. Therefore, it has been classified as a Variant of Uncertain Significance.